The following is an entry in ClinVar:

ClinVar aggregate classification (germline): Uncertain significance (1 of 4 stars; one submission).

gnomAD v4.1: 4 of 1,614,072 alleles (0.00025%); highest among the groups gnomAD compares: Non-Finnish European, 0.00034%; no homozygotes.

Submission:

Labcorp Genetics (formerly Invitae), Labcorp
Classification: Uncertain significance. Last evaluated: 2026-02-01. Review status: criteria provided, single submitter. Criteria: Invitae Variant Classification Sherloc (09022015). Collection method: clinical testing. Allele origin: germline.
Comment: This sequence change replaces asparagine, which is neutral and polar, with serine, which is neutral and polar, at codon 366 of the ACVR1 protein (p.Asn366Ser). This variant is not present in population databases (gnomAD no frequency). This variant has not been reported in the literature in individuals affected with ACVR1-related conditions. An algorithm developed to predict the effect of missense changes on protein structure and function (PolyPhen-2) suggests that this variant is likely to be tolerated. In summary, the available evidence is currently insufficient to determine the role of this variant in disease. Therefore, it has been classified as a Variant of Uncertain Significance.

NM_001111067.4(ACVR1):c.1097A>G (p.Asn366Ser)

Gene: ACVR1 (activin A receptor type 1; minus strand). Cytogenetic location: 2q24.1.
Variant type: single nucleotide variant.
Coding change: c.1097A>G on transcript NM_001111067.4 (MANE Select); coding-DNA position 1097, A replaced by G.
Protein change: p.Asn366Ser; replaces asparagine 366 with serine.
Molecular consequence: missense variant.
Genome position (GRCh38, 1-based): chr2:157,761,047, T>C on the plus strand (A>G on the coding strand, the complement: ACVR1 is on the minus strand). VCF-style: chr2-157761047-T-C. GRCh37 (hg19) VCF-style: chr2-158617559-T-C.
Other names: c.1097A>G, p.Asn366Ser (NM_001105.5, NM_001347663.1, NM_001347664.1 and 3 more transcripts); short protein forms N366S.
Identifiers: ClinVar variation 4771806 (VCV004771806.1).